The following is an entry in ClinVar:

ClinVar aggregate classification (germline): Uncertain significance (1 of 4 stars; one submission).

Allele frequency attached by ClinVar (database versions not stated): gnomAD exomes 0.00001; ExAC 0.00002; TOPMed 0.00002; gnomAD 0.00003; ESP Exome Variant Server 0.00008.
gnomAD v4.1: 22 of 1,614,102 alleles (0.0014%); highest among the groups gnomAD compares: Middle Eastern, 0.033%; no homozygotes.

Submission:

Labcorp Genetics (formerly Invitae), Labcorp
Classification: Uncertain significance. Last evaluated: 2024-10-22. Review status: criteria provided, single submitter. Criteria: Invitae Variant Classification Sherloc (09022015). Collection method: clinical testing. Allele origin: germline.
Comment: This sequence change replaces glycine, which is neutral and non-polar, with arginine, which is basic and polar, at codon 366 of the PCK1 protein (p.Gly366Arg). This variant is present in population databases (rs148075029, gnomAD 0.007%). This variant has not been reported in the literature in individuals affected with PCK1-related conditions. ClinVar contains an entry for this variant (Variation ID: 2139305). Invitae Evidence Modeling of protein sequence and biophysical properties (such as structural, functional, and spatial information, amino acid conservation, physicochemical variation, residue mobility, and thermodynamic stability) indicates that this missense variant is expected to disrupt PCK1 protein function with a positive predictive value of 80%. In summary, the available evidence is currently insufficient to determine the role of this variant in disease. Therefore, it has been classified as a Variant of Uncertain Significance.

NM_002591.4(PCK1):c.1096G>A (p.Gly366Arg)

Gene: PCK1 (phosphoenolpyruvate carboxykinase 1; plus strand). Cytogenetic location: 20q13.31.
Variant type: single nucleotide variant.
Coding change: c.1096G>A on transcript NM_002591.4 (MANE Select); coding-DNA position 1096, G replaced by A.
Protein change: p.Gly366Arg; replaces glycine 366 with arginine.
Molecular consequence: missense variant.
Genome position (GRCh38, 1-based): chr20:57,564,303, G>A. VCF-style: chr20-57564303-G-A. GRCh37 (hg19) VCF-style: chr20-56139359-G-A.
Other names: short protein forms G366R.
Identifiers: ClinVar variation 2139305 (VCV002139305.3), dbSNP rs148075029, ClinGen allele CA9922268.
Genomic context (GRCh38, chr20:57,564,303, plus strand): 5'-AATGCCATCAAGACCATCCAGAAGAACACAATCTTTACCAATGTGGCCGAGACCAGCGAC[G>A]GGGGCGTTTACTGGGAAGGCATTGATGAGCCGCTAGCTTCAGGTGTCACCATCACGTCCT-3'
Protein context (NP_002582.3, residues 356-376): IFTNVAETSD[Gly366Arg]GVYWEGIDEP